The following is an entry in ClinVar:

NM_005732.4(RAD50):c.1208G>A (p.Arg403Lys)

Gene: RAD50 (RAD50 double strand break repair protein; plus strand). Cytogenetic location: 5q31.1.
Variant type: single nucleotide variant.
Coding change: c.1208G>A on transcript NM_005732.4 (MANE Select); coding-DNA position 1208, G replaced by A.
Protein change: p.Arg403Lys; replaces arginine 403 with lysine.
Molecular consequence: missense variant.
Genome position (GRCh38, 1-based): chr5:132,588,843, G>A. VCF-style: chr5-132588843-G-A. GRCh37 (hg19) VCF-style: chr5-131924535-G-A.
Other names: short protein forms R403K.
Identifiers: ClinVar variation 232227 (VCV000232227.14), dbSNP rs876659634, ClinGen allele CA10578520.

ClinVar aggregate classification (germline): Uncertain significance. Review status: criteria provided, multiple submitters, no conflicts (2 of 4 stars). 2 submissions from 2 submitters: Uncertain significance (2). Last evaluated 2024-04-23.

Conditions:
Hereditary cancer-predisposing syndrome. Also called: Neoplastic Syndromes, Hereditary; Tumor predisposition; Hereditary Cancer Syndrome; Hereditary neoplastic syndrome. Identifiers: Orphanet 140162, MedGen C0027672, MeSH D009386, MONDO:0015356.

Submissions (2):

Labcorp Genetics (formerly Invitae), Labcorp
Classification: Uncertain significance for Hereditary cancer-predisposing syndrome. Last evaluated: 2024-04-23. Review status: criteria provided, single submitter. Criteria: Invitae Variant Classification Sherloc (09022015). Collection method: clinical testing. Allele origin: germline.
Comment: This sequence change replaces arginine, which is basic and polar, with lysine, which is basic and polar, at codon 403 of the RAD50 protein (p.Arg403Lys). This variant is not present in population databases (gnomAD no frequency). This variant has not been reported in the literature in individuals affected with RAD50-related conditions. ClinVar contains an entry for this variant (Variation ID: 232227). Advanced modeling of protein sequence and biophysical properties (such as structural, functional, and spatial information, amino acid conservation, physicochemical variation, residue mobility, and thermodynamic stability) performed at Invitae indicates that this missense variant is not expected to disrupt RAD50 protein function with a negative predictive value of 80%. In summary, the available evidence is currently insufficient to determine the role of this variant in disease. Therefore, it has been classified as a Variant of Uncertain Significance.

Ambry Genetics
Classification: Uncertain significance for Hereditary cancer-predisposing syndrome. Last evaluated: 2015-06-09. Review status: criteria provided, single submitter. Criteria: Ambry Variant Classification Scheme 2023. Collection method: clinical testing. Allele origin: germline.
Comment: The p.R403K variant (also known as c.1208G>A), located in coding exon 8 of the RAD50 gene, results from a G to A substitution at nucleotide position 1208. The arginine at codon 403 is replaced by lysine, an amino acid with highly similar properties. This variant was not reported in population based cohorts in the following databases: Database of Single Nucleotide Polymorphisms (dbSNP), NHLBI Exome Sequencing Project (ESP), and 1000 Genomes Project. In the ESP, this variant was not observed in 6503 samples (13006 alleles) with coverage at this position. To date, this alteration has been detected with an allele frequency of approximately 0.002% (greater than 65000 alleles tested) in our clinical cohort. This amino acid position is well conserved in available vertebrate species. In addition, this alteration is predicted to be tolerated by in silico analysis. Since supporting evidence is limited at this time, the clinical significance of p.R403K remains unclear.